The following is an entry in ClinVar:

NM_001165963.4(SCN1A):c.1652C>T (p.Ser551Phe)

Gene: SCN1A (sodium voltage-gated channel alpha subunit 1; minus strand). Cytogenetic location: 2q24.3.
Variant type: single nucleotide variant.
Coding change: c.1652C>T on transcript NM_001165963.4 (MANE Select); coding-DNA position 1652, C replaced by T.
Protein change: p.Ser551Phe; replaces serine 551 with phenylalanine.
Molecular consequence: missense variant. On other transcripts: 5 prime UTR variant (1), non-coding transcript variant (1).
Genome position (GRCh38, 1-based): chr2:166,045,053, G>A on the plus strand (C>T on the coding strand, the complement: SCN1A is on the minus strand). VCF-style: chr2-166045053-G-A. GRCh37 (hg19) VCF-style: chr2-166901563-G-A.
Other names: c.1652C>T, p.Ser551Phe (NM_001165964.3, NM_001202435.3, NM_001353948.2 and 7 more transcripts); c.1649C>T, p.Ser550Phe (NM_001353954.2, NM_001353955.2, NM_001353960.2); c.-774C>T (NM_001353961.2); short protein forms S550F, S551F.
Identifiers: ClinVar variation 1305332 (VCV001305332.6), dbSNP rs1396476288, ClinGen allele CA349068255.
Genomic context (GRCh38, chr2:166,045,053, plus strand): 5'-CCCATGTTTTAATTTTCAACCATGCATCAGTAAACTCAGCAGTGCCATACCTGGTGTGGG[G>A]AGGAGTACCTCTTTTCATATGTCAATCGGTTCCCTTCAATGGAGAAGCGAAAACCTTTCC-3'
Protein context (NP_001159435.1, residues 541-561): NRLTYEKRYS[Ser551Phe]PHQSLLSIRG

ClinVar aggregate classification (germline): Conflicting classifications of pathogenicity. Review status: criteria provided, conflicting classifications (1 of 4 stars). 2 submissions from 2 submitters: Uncertain significance (1); Benign (1). Last evaluated 2025-12-05.

Conditions:
Early-infantile DEE. Also called: Early infantile epileptic encephalopathy; Early infantile epileptic encephalopathy with suppression bursts; Ohtahara syndrome. Identifiers: Orphanet 1934, MedGen C0393706, MONDO:0800491.

Allele frequency attached by ClinVar (database versions not stated): gnomAD exomes below 0.00001; TOPMed 0.00003; gnomAD 0.00002.

Submissions (2):

Labcorp Genetics (formerly Invitae), Labcorp
Classification: Benign for Early-infantile DEE. Last evaluated: 2025-12-05. Review status: criteria provided, single submitter. Criteria: Invitae Variant Classification Sherloc (09022015). Collection method: clinical testing. Allele origin: germline.

GeneDx
Classification: Uncertain significance. Last evaluated: 2024-11-18. Review status: criteria provided, single submitter. Criteria: GeneDx Variant Classification Process June 2021. Collection method: clinical testing. Allele origin: germline. Affected: yes.
Comment: In silico analysis supports that this missense variant has a deleterious effect on protein structure/function; This substitution is predicted to be within the cytoplasmic loop between the first and second homologous domains; Has not been previously published as pathogenic or benign to our knowledge